The following is an entry in ClinVar:

NM_005045.4(RELN):c.8183G>A (p.Gly2728Asp)

Genes: SLC26A5-AS1 (SLC26A5 antisense RNA 1; plus strand), RELN (reelin; minus strand). Cytogenetic location: 7q22.1.
Variant type: single nucleotide variant.
Coding change: c.8183G>A on transcript NM_005045.4 (MANE Select); coding-DNA position 8183, G replaced by A.
Protein change: p.Gly2728Asp; replaces glycine 2728 with aspartic acid.
Molecular consequence: missense variant.
Genome position (GRCh38, 1-based): chr7:103,510,942, C>T on the plus strand (G>A on the coding strand, the complement: RELN is on the minus strand). VCF-style: chr7-103510942-C-T. GRCh37 (hg19) VCF-style: chr7-103151389-C-T.
Other names: c.8183G>A, p.Gly2728Asp (NM_173054.3); short protein forms G2728D.
Identifiers: ClinVar variation 2930187 (VCV002930187.3), dbSNP rs757194948, ClinGen allele CA4420539.

ClinVar aggregate classification (germline): Uncertain significance (1 of 4 stars; one submission).

Conditions:
Familial temporal lobe epilepsy 7. Identifiers: Orphanet 101046, MedGen C4225327, MONDO:0014639, OMIM 616436.
Norman-Roberts syndrome (LIS2). Also called: Lissencephaly 2 (Norman-Roberts type). Identifiers: Orphanet 89844, MedGen C0796089, MONDO:0009760, OMIM 257320.

Allele frequency attached by ClinVar (database versions not stated): TOPMed 0.00001; ExAC 0.00002.
gnomAD v4.1: 5 of 1,612,218 alleles (0.00031%); highest among the groups gnomAD compares: Non-Finnish European, 0.00034%; no homozygotes.

Submission:

Labcorp Genetics (formerly Invitae), Labcorp
Classification: Uncertain significance for Familial temporal lobe epilepsy 7; Norman-Roberts syndrome. Last evaluated: 2024-08-08. Review status: criteria provided, single submitter. Criteria: Invitae Variant Classification Sherloc (09022015). Collection method: clinical testing. Allele origin: germline.
Comment: This sequence change replaces glycine, which is neutral and non-polar, with aspartic acid, which is acidic and polar, at codon 2728 of the RELN protein (p.Gly2728Asp). This variant is present in population databases (rs757194948, gnomAD 0.002%). This variant has not been reported in the literature in individuals affected with RELN-related conditions. Advanced modeling of protein sequence and biophysical properties (such as structural, functional, and spatial information, amino acid conservation, physicochemical variation, residue mobility, and thermodynamic stability) performed at Invitae indicates that this missense variant is not expected to disrupt RELN protein function with a negative predictive value of 80%. In summary, the available evidence is currently insufficient to determine the role of this variant in disease. Therefore, it has been classified as a Variant of Uncertain Significance.